The following is an entry in ClinVar:

NM_000138.5(FBN1):c.601G>A (p.Gly201Arg)

Gene: FBN1 (fibrillin 1; minus strand). Cytogenetic location: 15q21.1.
Variant type: single nucleotide variant.
Coding change: c.601G>A on transcript NM_000138.5 (MANE Select); coding-DNA position 601, G replaced by A.
Protein change: p.Gly201Arg; replaces glycine 201 with arginine.
Molecular consequence: missense variant.
Genome position (GRCh38, 1-based): chr15:48,537,746, C>T on the plus strand (G>A on the coding strand, the complement: FBN1 is on the minus strand). VCF-style: chr15-48537746-C-T. GRCh37 (hg19) VCF-style: chr15-48829943-C-T.
Other names: short protein forms G201R.
Identifiers: ClinVar variation 968721 (VCV000968721.11), dbSNP rs748358548, ClinGen allele CA055980.

ClinVar aggregate classification (germline): Uncertain significance. Review status: criteria provided, multiple submitters, no conflicts (2 of 4 stars). 4 submissions from 4 submitters: Uncertain significance (4). Last evaluated 2025-12-09.

Conditions:
Marfan syndrome (MFS). Also called: FBN1-Related Marfan Syndrome; MARFAN SYNDROME, TYPE I; Marfan syndrome type 1; Marfan's syndrome; Marfan syndrome, classic. Identifiers: Orphanet 284963, Orphanet 558, MedGen C0024796, MONDO:0007947, OMIM 154700.
Familial thoracic aortic aneurysm and aortic dissection (TAAD). Also called: Thoracic aortic aneurysms and dissections. Identifiers: Orphanet 91387, MedGen C4707243, MONDO:0019625.

Allele frequency attached by ClinVar (database versions not stated): gnomAD exomes 0.00002; ExAC 0.00002; TOPMed 0.00004.
gnomAD v4.1: 13 of 1,614,208 alleles (0.00081%); highest among the groups gnomAD compares: East Asian, 0.0067%; no homozygotes.

Submissions (4):

Labcorp Genetics (formerly Invitae), Labcorp
Classification: Uncertain significance for Marfan syndrome; Familial thoracic aortic aneurysm and aortic dissection. Last evaluated: 2025-12-09. Review status: criteria provided, single submitter. Criteria: Invitae Variant Classification Sherloc (09022015). Collection method: clinical testing. Allele origin: germline.
Comment: This sequence change replaces glycine, which is neutral and non-polar, with arginine, which is basic and polar, at codon 201 of the FBN1 protein (p.Gly201Arg). This variant is present in population databases (rs748358548, gnomAD 0.006%). This variant has not been reported in the literature in individuals affected with FBN1-related conditions. ClinVar contains an entry for this variant (Variation ID: 968721). Invitae Evidence Modeling of protein sequence and biophysical properties (such as structural, functional, and spatial information, amino acid conservation, physicochemical variation, residue mobility, and thermodynamic stability) indicates that this missense variant is expected to disrupt FBN1 protein function with a positive predictive value of 95%. In summary, the available evidence is currently insufficient to determine the role of this variant in disease. Therefore, it has been classified as a Variant of Uncertain Significance.

GeneDx
Classification: Uncertain significance. Last evaluated: 2024-08-07. Review status: criteria provided, single submitter. Criteria: GeneDx Variant Classification Process June 2021. Collection method: clinical testing. Allele origin: germline. Affected: yes.
Comment: Has not been previously published as pathogenic or benign to our knowledge; Not observed at significant frequency in large population cohorts (gnomAD); In silico analysis supports that this missense variant has a deleterious effect on protein structure/function; Does not affect a cysteine residue within a calcium-binding EGF-like domain or a TGF-binding protein domain of the FBN1 gene; cysteine substitutions in the calcium-binding EGF-like domains represent the majority of pathogenic missense changes associated with FBN1-related disorders (PMID: 12938084); This variant is associated with the following publications: (PMID: 31506931)

All of Us Research Program, National Institutes of Health
Classification: Uncertain significance for Marfan syndrome. Last evaluated: 2024-07-29. Review status: criteria provided, single submitter. Criteria: ACMG Guidelines, 2015. Collection method: clinical testing. Allele origin: germline. Inheritance: Autosomal dominant inheritance. Observed: 4 variant alleles, 4 heterozygotes.
Comment: This missense variant replaces glycine with arginine at codon 201 of the FBN1 protein. Computational prediction suggests that this variant may have deleterious impact on protein structure and function (internally defined REVEL score threshold >= 0.7, PMID: 27666373). To our knowledge, functional studies have not been reported for this variant. This variant has not been reported in individuals affected with FBN1-related disorders in the literature. This variant has been identified in 4/251440 chromosomes in the general population by the Genome Aggregation Database (gnomAD). The available evidence is insufficient to determine the role of this variant in disease conclusively. Therefore, this variant is classified as a Variant of Uncertain Significance.

This study involves interpretation of variants in research participants for the purpose of population health screening. Participant phenotype was not available at the time of variant classification. Additional details can be found in publication PMID: 35346344, PMCID: PMC8962531

Ambry Genetics
Classification: Uncertain significance for Familial thoracic aortic aneurysm and aortic dissection. Last evaluated: 2024-02-14. Review status: criteria provided, single submitter. Criteria: Ambry Variant Classification Scheme 2023. Collection method: clinical testing. Allele origin: germline.
Comment: The p.G201R variant (also known as c.601G>A), located in coding exon 6 of the FBN1 gene, results from a G to A substitution at nucleotide position 601. The glycine at codon 201 is replaced by arginine, an amino acid with dissimilar properties. This amino acid position is highly conserved in available vertebrate species. In addition, this alteration is predicted to be deleterious by in silico analysis. Based on the available evidence, the clinical significance of this alteration remains unclear.